The following is an entry in ClinVar:

ClinVar aggregate classification (germline): Pathogenic/Likely pathogenic. Review status: criteria provided, multiple submitters, no conflicts (2 of 4 stars). 7 submissions from 7 submitters: Pathogenic (1); Likely pathogenic (5). 1 of the submissions does not count toward it. Last evaluated 2025-02-01.

Conditions:
Cerebral arteriopathy, autosomal dominant, with subcortical infarcts and leukoencephalopathy, type 2 (CADASIL2). Identifiers: MedGen C4225211, MONDO:0014768, OMIM 616779.
HTRA1-related disorders.
Vascular dementia. Identifiers: MedGen C0011269, MeSH D015140, MONDO:0004648.
HTRA1-related cerebral small vessel disease. Also called: HTRA1 Cerebral Small Vessel Disease (HTRA1-CSVD). Identifiers: Orphanet 482072, MedGen C5680099, MONDO:0018831.

Allele frequency attached by ClinVar (database versions not stated): gnomAD exomes below 0.00001; ExAC 0.00001.

Submissions (7):

CeGaT Center for Human Genetics Tuebingen
Classification: Likely pathogenic. Last evaluated: 2025-02-01. Review status: criteria provided, single submitter. Criteria: CeGaT Center For Human Genetics Tuebingen Variant Classification Criteria Version 2. Collection method: clinical testing. Allele origin: germline. Affected: yes. Observed: 1 variant allele.
Comment: HTRA1: PM1, PM2, PM5, PS4:Moderate, PP3

Women's Health and Genetics/Laboratory Corporation of America, LabCorp
Classification: Likely pathogenic for HTRA1-related cerebral small vessel disease. Last evaluated: 2024-04-29. Review status: criteria provided, single submitter. Criteria: LabCorp Variant Classification Summary - May 2015. Collection method: clinical testing. Allele origin: germline.
Comment: Variant summary: HTRA1 c.847G>A (p.Gly283Arg) results in a non-conservative amino acid change in the encoded protein sequence. Five of five in-silico tools predict a damaging effect of the variant on protein function. The variant allele was found at a frequency of 4e-06 in 251184 control chromosomes. c.847G>A has been reported in the literature in at-least three individuals affected with HTRA1-Related Cerebral Small Vessel Disease, and in all the reported cases, this variant was reported as a heterozygous change, without a second variant in HTRA1 (Oluwole_2020,Monkare_2022, Schuermans_HTRA1_2022). These data indicate that the variant may be associated with disease. To our knowledge, no experimental evidence demonstrating an impact on protein function has been reported. Additionally, at least one variant at the Gly283 residue has been reported (p.G283E, PMID 27164673), suggesting that this codon may be functionally important. ClinVar contains an entry for this variant (Variation ID: 1184940). Based on the evidence outlined above, the variant was classified as likely pathogenic.

Victorian Clinical Genetics Services, Murdoch Childrens Research Institute
Classification: Pathogenic for Cerebral arteriopathy, autosomal dominant, with subcortical infarcts and leukoencephalopathy, type 2. Last evaluated: 2022-02-02. Review status: criteria provided, single submitter. Criteria: ACMG Guidelines, 2015. Collection method: clinical testing. Allele origin: germline. Inheritance: Autosomal dominant inheritance. Affected: yes.
Comment: Based on the classification scheme VCGS_Germline_v1.3.4, this variant is classified as Pathogenic. Following criteria are met: 0103 - Dominant negative and loss of function are known mechanisms of disease in this gene and are associated with both autosomal dominant cerebral arteriopathy with subcortical infarcts and leukoencephalopathy, type 2 (MIM#616779) and autosomal recessive CARASIL syndrome (MIM#600142). Both missense variants, and those resulting in a premature termination codon, have been shown with both mechanisms (PMID: 29895533, PMID: 19387015). (I) 0108 - This gene is associated with both recessive and dominant disease. There is no distinction between which variants will cause dominant or recessive disease, where the same variants have been observed to cause either form of disease (PMID: 31316458, PMID: 32719647). (I) 0200 - Variant is predicted to result in a missense amino acid change from glycine to arginine. (I) 0251 - This variant is heterozygous. (I) 0302 - Variant is present in gnomAD (v2) <0.001 for a dominant condition (1 heterozygote, 0 homozygotes). (SP) 0501 - Missense variant consistently predicted to be damaging by multiple in silico tools or highly conserved with a major amino acid change. (SP) 0600 - Variant is located in the annotated serine protease domain (PMID: 27164673). (I) 0704 - Another missense variant comparable to the one identified in this case has limited previous evidence for pathogenicity. An alternative missense change (p.(Gly283Glu)) has been reported in a heterozygous patient with cerebral small vessel disease (CSVD) (PMID: 27164673). (SP) 0802 - This variant has moderate previous evidence of pathogenicity in unrelated individuals. This variant has been observed in a heterozygous patient with CARASIL (PMID: 32042911), and has been reported twice as likely pathogenic (ClinVar). (SP) 0906 - Segregation evidence for this variant is inconclusive. (I) 1007 - No published functional evidence has been identified for this variant. (I) 1208 - Inheritance information for this variant is not currently available in this individual. (I) Legend: (SP) - Supporting pathogenic, (I) - Information, (SB) - Supporting benign

Blueprint Genetics
Classification: Likely pathogenic for HTRA1-related disorders. Last evaluated: 2022-01-11. Review status: criteria provided, single submitter. Criteria: ACMG Guidelines, 2015. Collection method: clinical testing. Allele origin: germline. Affected: yes. Observed: 1 variant allele.

Institute of Medical Genetics and Applied Genomics, University Hospital Tübingen
Classification: Likely pathogenic. Last evaluated: 2021-06-17. Review status: criteria provided, single submitter. Criteria: ACMG Guidelines, 2015. Collection method: clinical testing. Allele origin: germline. Inheritance: Autosomal dominant inheritance. Affected: yes.

GeneDx
Classification: Likely pathogenic. Last evaluated: 2019-09-12. Review status: criteria provided, single submitter. Criteria: GeneDx Variant Classification Process June 2021. Collection method: clinical testing. Allele origin: germline. Affected: yes.
Comment: Not observed at a significant frequency in large population cohorts (Lek et al., 2016); In silico analysis, which includes protein predictors and evolutionary conservation, supports a deleterious effect; Has not been previously published as pathogenic or benign to our knowledge; Missense variants in nearby residues reported in the Human Gene Mutation Database (Stenson et al., 2014); This variant is associated with the following publications: (PMID: 32042911)

Myllykangas group, University of Helsinki
Classification: Uncertain significance for Vascular dementia. Last evaluated: 2021-10-01. Review status: no assertion criteria provided. Collection method: research. Allele origin: germline. Affected: yes. Not counted in ClinVar's aggregate classification.

Literature cited by the submitters: PubMed 35606766 (cited by Women's Health and Genetics/Laboratory Corporation of America, LabCorp); PubMed 35307828 (cited by Women's Health and Genetics/Laboratory Corporation of America, LabCorp and Myllykangas group, University of Helsinki); PubMed 32042911 (cited by Women's Health and Genetics/Laboratory Corporation of America, LabCorp and Victorian Clinical Genetics Services, Murdoch Childrens Research Institute); PubMed 19387015 (cited by Victorian Clinical Genetics Services, Murdoch Childrens Research Institute); PubMed 27164673 (cited by Victorian Clinical Genetics Services, Murdoch Childrens Research Institute); PubMed 29895533 (cited by Victorian Clinical Genetics Services, Murdoch Childrens Research Institute); PubMed 31316458 (cited by Victorian Clinical Genetics Services, Murdoch Childrens Research Institute); PubMed 32719647 (cited by Victorian Clinical Genetics Services, Murdoch Childrens Research Institute).

NM_002775.5(HTRA1):c.847G>A (p.Gly283Arg)

Gene: HTRA1 (HtrA serine peptidase 1; plus strand). Cytogenetic location: 10q26.13.
Variant type: single nucleotide variant.
Coding change: c.847G>A on transcript NM_002775.5 (MANE Select); coding-DNA position 847, G replaced by A.
Protein change: p.Gly283Arg; replaces glycine 283 with arginine.
Molecular consequence: missense variant.
Genome position (GRCh38, 1-based): chr10:122,506,760, G>A. VCF-style: chr10-122506760-G-A. GRCh37 (hg19) VCF-style: chr10-124266276-G-A.
Other names: short protein forms G283R.
Identifiers: ClinVar variation 1184940 (VCV001184940.42), dbSNP rs766433250, ClinGen allele CA5725953.